The following is an entry in ClinVar:

ClinVar aggregate classification (germline): Uncertain significance. Review status: criteria provided, multiple submitters, no conflicts (2 of 4 stars). 2 submissions from 2 submitters: Uncertain significance (2). Last evaluated 2023-04-16.

Conditions:
Hereditary cancer-predisposing syndrome. Also called: Neoplastic Syndromes, Hereditary; Hereditary Cancer Syndrome; Hereditary neoplastic syndrome; Tumor predisposition. Identifiers: Orphanet 140162, MedGen C0027672, MeSH D009386, MONDO:0015356.
Ataxia-telangiectasia syndrome (AT). Also called: LOUIS-BAR SYNDROME; Ataxia-telangiectasia, complementation group E; Ataxia-telangiectasia, complementation group D; AT, COMPLEMENTATION GROUP C; Ataxia telangiectasia (A-T); Cerebello-oculocutaneous telangiectasia. Identifiers: Orphanet 100, MedGen C0004135, MONDO:0008840, OMIM 208900.

Allele frequency attached by ClinVar (database versions not stated): gnomAD exomes below 0.00001 and 0.00001; gnomAD 0.00001.
gnomAD v4.1: 5 of 1,612,606 alleles (0.00031%); highest among the groups gnomAD compares: Non-Finnish European, 0.00042%; no homozygotes.

Submissions (2):

Ambry Genetics
Classification: Uncertain significance for Hereditary cancer-predisposing syndrome. Last evaluated: 2023-04-16. Review status: criteria provided, single submitter. Criteria: Ambry Variant Classification Scheme 2023. Collection method: clinical testing. Allele origin: germline.
Comment: The p.R1779G variant (also known as c.5335A>G), located in coding exon 35 of the ATM gene, results from an A to G substitution at nucleotide position 5335. The arginine at codon 1779 is replaced by glycine, an amino acid with dissimilar properties. This amino acid position is conserved. In addition, this alteration is predicted to be tolerated by in silico analysis. Since supporting evidence is limited at this time, the clinical significance of this alteration remains unclear.

Labcorp Genetics (formerly Invitae), Labcorp
Classification: Uncertain significance for Ataxia-telangiectasia syndrome. Last evaluated: 2021-08-30. Review status: criteria provided, single submitter. Criteria: Invitae Variant Classification Sherloc (09022015). Collection method: clinical testing. Allele origin: germline.
Comment: This sequence change replaces arginine with glycine at codon 1779 of the ATM protein (p.Arg1779Gly). The arginine residue is weakly conserved and there is a moderate physicochemical difference between arginine and glycine. This variant is not present in population databases (ExAC no frequency). This variant has not been reported in the literature in individuals affected with ATM-related conditions. Algorithms developed to predict the effect of missense changes on protein structure and function (SIFT, PolyPhen-2, Align-GVGD) all suggest that this variant is likely to be tolerated. In summary, the available evidence is currently insufficient to determine the role of this variant in disease. Therefore, it has been classified as a Variant of Uncertain Significance.

NM_000051.4(ATM):c.5335A>G (p.Arg1779Gly)

Gene: ATM (ATM serine/threonine kinase; plus strand). Cytogenetic location: 11q22.3.
Variant type: single nucleotide variant.
Coding change: c.5335A>G on transcript NM_000051.4 (MANE Select); coding-DNA position 5335, A replaced by G.
Protein change: p.Arg1779Gly; replaces arginine 1779 with glycine.
Molecular consequence: missense variant.
Genome position (GRCh38, 1-based): chr11:108,302,868, A>G. VCF-style: chr11-108302868-A-G. GRCh37 (hg19) VCF-style: chr11-108173595-A-G.
Other names: c.5335A>G, p.Arg1779Gly (NM_001351834.2); short protein forms R1779G.
Identifiers: ClinVar variation 641215 (VCV000641215.4), dbSNP rs1176642734, ClinGen allele CA382543105.